The following is an entry in ClinVar:

ClinVar aggregate classification (germline): Uncertain significance (1 of 4 stars; one submission).

Submission:

Labcorp Genetics (formerly Invitae), Labcorp
Classification: Uncertain significance. Last evaluated: 2022-05-21. Review status: criteria provided, single submitter. Criteria: Invitae Variant Classification Sherloc (09022015). Collection method: clinical testing. Allele origin: germline.
Comment: This variant is not present in population databases (gnomAD no frequency). This sequence change replaces valine, which is neutral and non-polar, with alanine, which is neutral and non-polar, at codon 101 of the C11orf70 protein (p.Val101Ala). In summary, the available evidence is currently insufficient to determine the role of this variant in disease. Therefore, it has been classified as a Variant of Uncertain Significance. Algorithms developed to predict the effect of missense changes on protein structure and function (SIFT, PolyPhen-2, Align-GVGD) all suggest that this variant is likely to be disruptive. This variant has not been reported in the literature in individuals affected with C11orf70-related conditions.

NM_032930.3(CFAP300):c.302T>C (p.Val101Ala)

Gene: CFAP300 (cilia and flagella associated protein 300; plus strand). Cytogenetic location: 11q22.1.
Variant type: single nucleotide variant.
Coding change: c.302T>C on transcript NM_032930.3 (MANE Select); coding-DNA position 302, T replaced by C.
Protein change: p.Val101Ala; replaces valine 101 with alanine.
Molecular consequence: missense variant. On other transcripts: intron variant (1).
Genome position (GRCh38, 1-based): chr11:102,066,518, T>C. VCF-style: chr11-102066518-T-C. GRCh37 (hg19) VCF-style: chr11-101937249-T-C.
Other names: c.302T>C, p.Val101Ala (NM_001363505.2); c.268+7563T>C (NM_001195005.2); short protein forms V101A.
Identifiers: ClinVar variation 1681455 (VCV001681455.4), dbSNP rs2135034128, ClinGen allele CA382489154.